The following is an entry in ClinVar:

NM_033380.3(COL4A5):c.3855dup (p.Ile1286fs)

Gene: COL4A5 (collagen type IV alpha 5 chain; plus strand). Cytogenetic location: Xq22.3.
Variant type: Duplication.
Coding change: c.3855dup on transcript NM_033380.3 (MANE Select); coding-DNA position 3855, one base duplicated (T; older notation c.3855dupT).
Protein change: p.Ile1286fs; shifts the reading frame from isoleucine 1286.
Molecular consequence: frameshift variant.
Genome position (GRCh38, 1-based): chrX:108,677,546, T duplicated. VCF-style (leftmost placement, unchanged base first): chrX-108677545-G-GT. GRCh37 (hg19) VCF-style: chrX-107920775-G-GT.
Other names: c.3837dup, p.Ile1280fs (NM_000495.5); short protein forms I1280fs, I1286fs.
Identifiers: ClinVar variation 2809187 (VCV002809187.3), dbSNP rs2524602458, ClinGen allele CA2739273722.

ClinVar aggregate classification (germline): Pathogenic (1 of 4 stars; one submission).

Submission:

Labcorp Genetics (formerly Invitae), Labcorp
Classification: Pathogenic. Last evaluated: 2022-10-20. Review status: criteria provided, single submitter. Criteria: Invitae Variant Classification Sherloc (09022015). Collection method: clinical testing. Allele origin: germline.
Comment: For these reasons, this variant has been classified as Pathogenic. This variant has not been reported in the literature in individuals affected with COL4A5-related conditions. This variant is not present in population databases (gnomAD no frequency). This sequence change creates a premature translational stop signal (p.Ile1280Tyrfs*2) in the COL4A5 gene. It is expected to result in an absent or disrupted protein product. Loss-of-function variants in COL4A5 are known to be pathogenic (PMID: 9195222, 10752524, 14514738, 24854265, 26809805).

Literature cited by the submitters: PubMed 9195222; PubMed 10752524; PubMed 14514738; PubMed 24854265; PubMed 26809805.